The following is an entry in ClinVar:

ClinVar aggregate classification (germline): Likely pathogenic (1 of 4 stars; one submission).

Conditions:
Desmin-related myofibrillar myopathy (MFM1). Also called: Myofibrillar myopathy 1; Desminopathy; MYOFIBRILLAR MYOPATHY WITH ARRHYTHMOGENIC RIGHT VENTRICULAR CARDIOMYOPATHY; DESMIN-RELATED MYOPATHY WITH ARRHYTHMOGENIC RIGHT VENTRICULAR CARDIOMYOPATHY; Desmin related myopathy (former name); Desmin storage myopathy (former name). Identifiers: Orphanet 363543, Orphanet 98909, MedGen C1832370, MONDO:0011076, OMIM 601419.

Submission:

Labcorp Genetics (formerly Invitae), Labcorp
Classification: Likely pathogenic for Desmin-related myofibrillar myopathy. Last evaluated: 2022-11-29. Review status: criteria provided, single submitter. Criteria: Invitae Variant Classification Sherloc (09022015). Collection method: clinical testing. Allele origin: germline.
Comment: In summary, the currently available evidence indicates that the variant is pathogenic, but additional data are needed to prove that conclusively. Therefore, this variant has been classified as Likely Pathogenic. This sequence change replaces arginine, which is basic and polar, with proline, which is neutral and non-polar, at codon 406 of the DES protein (p.Arg406Pro). This variant is not present in population databases (gnomAD no frequency). This variant has not been reported in the literature in individuals affected with DES-related conditions. Advanced modeling of protein sequence and biophysical properties (such as structural, functional, and spatial information, amino acid conservation, physicochemical variation, residue mobility, and thermodynamic stability) performed at Invitae indicates that this missense variant is expected to disrupt DES protein function. This variant disrupts the p.Arg406 amino acid residue in DES. Other variant(s) that disrupt this residue have been determined to be pathogenic (PMID: 10717012, 10905661, 14991347, 21262226, 23425003). This suggests that this residue is clinically significant, and that variants that disrupt this residue are likely to be disease-causing.

Literature cited by the submitters: PubMed 10717012; PubMed 10905661; PubMed 14991347; PubMed 21262226; PubMed 23425003.

NM_001927.4(DES):c.1217G>C (p.Arg406Pro)

Gene: DES (desmin; plus strand). Cytogenetic location: 2q35.
Variant type: single nucleotide variant.
Coding change: c.1217G>C on transcript NM_001927.4 (MANE Select); coding-DNA position 1217, G replaced by C.
Protein change: p.Arg406Pro; replaces arginine 406 with proline.
Molecular consequence: missense variant.
Genome position (GRCh38, 1-based): chr2:219,421,533, G>C. VCF-style: chr2-219421533-G-C. GRCh37 (hg19) VCF-style: chr2-220286255-G-C.
Other names: c.1214G>C, p.Arg405Pro (NM_001382708.1); c.785G>C, p.Arg262Pro (NM_001382709.1); c.1148G>C, p.Arg383Pro (NM_001382710.1); c.1196G>C, p.Arg399Pro (NM_001382711.1); c.1217G>C, p.Arg406Pro (NM_001382712.1); c.947G>C, p.Arg316Pro (NM_001382713.1); short protein forms R405P, R316P, R262P, R406P, R383P, R399P.
Identifiers: ClinVar variation 2109936 (VCV002109936.4), dbSNP rs1057520275, ClinGen allele CA350695020.